The following is an entry in ClinVar:

NM_000069.3(CACNA1S):c.5217C>T (p.Ala1739=)

Gene: CACNA1S (calcium voltage-gated channel subunit alpha1 S; minus strand). Cytogenetic location: 1q32.1.
Variant type: single nucleotide variant.
Coding change: c.5217C>T on transcript NM_000069.3 (MANE Select); coding-DNA position 5217, C replaced by T.
Protein change: p.Ala1739=; no amino-acid change (alanine 1739 retained).
Molecular consequence: synonymous variant.
Genome position (GRCh38, 1-based): chr1:201,040,631, G>A on the plus strand (C>T on the coding strand, the complement: CACNA1S is on the minus strand). VCF-style: chr1-201040631-G-A. GRCh37 (hg19) VCF-style: chr1-201009759-G-A.
Identifiers: ClinVar variation 1080282 (VCV001080282.10), dbSNP rs772010734, ClinGen allele CA083762.

ClinVar aggregate classification (germline): Likely benign. Review status: criteria provided, multiple submitters, no conflicts (2 of 4 stars). 2 submissions from 2 submitters: Likely benign (2). Last evaluated 2024-07-10.

Conditions:
Malignant hyperthermia, susceptibility to, 5 (MHS5). Also called: CACNA1S-Related Malignant Hyperthermia Susceptibility. Identifiers: Orphanet 423, MedGen C1866077, MONDO:0011163, OMIM 601887.
Hypokalemic periodic paralysis, type 1. Also called: HypoPP; Hypokalemic Periodic Paralysis Type 1 (AD). Identifiers: Orphanet 681, MedGen C3714580, MONDO:0042979, OMIM 170400.

Allele frequency attached by ClinVar (database versions not stated): ExAC 0.00001; gnomAD exomes 0.00002 and 0.00003.
gnomAD v4.1: 45 of 1,613,896 alleles (0.0028%); highest among the groups gnomAD compares: East Asian, 0.094%; no homozygotes.

Submissions (2):

All of Us Research Program, National Institutes of Health
Classification: Likely benign for Malignant hyperthermia, susceptibility to, 5. Last evaluated: 2024-07-10. Review status: criteria provided, single submitter. Criteria: ACMG Guidelines, 2015. Collection method: clinical testing. Allele origin: germline. Inheritance: Autosomal dominant inheritance. Observed: 1 variant allele, 1 heterozygote.
Comment: This study involves interpretation of variants in research participants for the purpose of population health screening. Participant phenotype was not available at the time of variant classification. Additional details can be found in publication PMID: 35346344, PMCID: PMC8962531

Labcorp Genetics (formerly Invitae), Labcorp
Classification: Likely benign for Hypokalemic periodic paralysis, type 1; Malignant hyperthermia, susceptibility to, 5. Last evaluated: 2020-12-15. Review status: criteria provided, single submitter. Criteria: Invitae Variant Classification Sherloc (09022015). Collection method: clinical testing. Allele origin: germline.